The following is an entry in ClinVar:

NM_001369.3(DNAH5):c.11570+5G>A

Gene: DNAH5 (dynein axonemal heavy chain 5; minus strand). Cytogenetic location: 5p15.2.
Variant type: single nucleotide variant.
Coding change: c.11570+5G>A on transcript NM_001369.3 (MANE Select); 5 bases into the intron after coding-DNA position 11570, G replaced by A.
Molecular consequence: intron variant.
Genome position (GRCh38, 1-based): chr5:13,735,813, C>T on the plus strand (G>A on the coding strand, the complement: DNAH5 is on the minus strand). VCF-style: chr5-13735813-C-T. GRCh37 (hg19) VCF-style: chr5-13735922-C-T.
Identifiers: ClinVar variation 454732 (VCV000454732.9), dbSNP rs771916783, ClinGen allele CA3201926.
Genomic context (GRCh38, chr5:13,735,813, plus strand): 5'-ATGTAATGTCATCATTTTAGTGCACAGATATAGAATTCAGCTTGGCTTCCCGCGTACAGA[C>T]GTACCTGGCTAAGGAAAGGTCAAATAAGCCCAGAAACTGGCGAAGCGAAGTCTGATACAT-3'

ClinVar aggregate classification (germline): Uncertain significance. Review status: criteria provided, multiple submitters, no conflicts (2 of 4 stars). 3 submissions from 3 submitters: Uncertain significance (2). 1 of the submissions does not count toward it. Last evaluated 2022-08-05.

Conditions:
Primary ciliary dyskinesia. Also called: Ciliary dyskinesia. Identifiers: Orphanet 244, MedGen C0008780, MONDO:0016575, HP:0012265.

Allele frequency attached by ClinVar (database versions not stated): gnomAD exomes 0.00011 and 0.00018; ExAC 0.00012; gnomAD 0.00015; TOPMed 0.00021.
gnomAD v4.1: 296 of 1,611,266 alleles (0.018%); highest among the groups gnomAD compares: Admixed American, 0.022%; no homozygotes.

Submissions (3):

Labcorp Genetics (formerly Invitae), Labcorp
Classification: Uncertain significance for Primary ciliary dyskinesia. Last evaluated: 2022-08-05. Review status: criteria provided, single submitter. Criteria: Invitae Variant Classification Sherloc (09022015). Collection method: clinical testing. Allele origin: germline.
Comment: This sequence change falls in intron 67 of the DNAH5 gene. It does not directly change the encoded amino acid sequence of the DNAH5 protein. It affects a nucleotide within the consensus splice site. This variant is present in population databases (rs771916783, gnomAD 0.02%). This variant has not been reported in the literature in individuals affected with DNAH5-related conditions. ClinVar contains an entry for this variant (Variation ID: 454732). Variants that disrupt the consensus splice site are a relatively common cause of aberrant splicing (PMID: 17576681, 9536098). Algorithms developed to predict the effect of sequence changes on RNA splicing suggest that this variant may disrupt the consensus splice site. In summary, the available evidence is currently insufficient to determine the role of this variant in disease. Therefore, it has been classified as a Variant of Uncertain Significance.

Ambry Genetics
Classification: Uncertain significance for Primary ciliary dyskinesia. Last evaluated: 2021-12-23. Review status: criteria provided, single submitter. Criteria: Ambry Variant Classification Scheme 2023. Collection method: clinical testing. Allele origin: germline.
Comment: The c.11570+5G>A intronic variant results from a G to A substitution 5 nucleotides after coding exon 67 in the DNAH5 gene. This nucleotide position is not well conserved in available vertebrate species. In silico splice site analysis for this alteration is inconclusive. Since supporting evidence is limited at this time, the clinical significance of this alteration remains unclear.

Natera, Inc.
Classification: Uncertain significance for Primary ciliary dyskinesia. Last evaluated: 2019-10-28. Review status: no assertion criteria provided. Collection method: clinical testing. Allele origin: germline. Not counted in ClinVar's aggregate classification.

Literature cited by the submitters: PubMed 17576681 (cited by Labcorp Genetics (formerly Invitae), Labcorp); PubMed 9536098 (cited by Labcorp Genetics (formerly Invitae), Labcorp).